The following is an entry in ClinVar:

ClinVar aggregate classification (germline): Pathogenic (1 of 4 stars; one submission).

Conditions:
Familial thoracic aortic aneurysm and aortic dissection (TAAD). Also called: Thoracic aortic aneurysms and dissections. Identifiers: Orphanet 91387, MedGen C4707243, MONDO:0019625.

Submission:

Labcorp Genetics (formerly Invitae), Labcorp
Classification: Pathogenic for Familial thoracic aortic aneurysm and aortic dissection. Last evaluated: 2024-06-25. Review status: criteria provided, single submitter. Criteria: Invitae Variant Classification Sherloc (09022015). Collection method: clinical testing. Allele origin: germline.
Comment: This sequence change affects an acceptor splice site in intron 7 of the SMAD3 gene. It is expected to disrupt RNA splicing. Variants that disrupt the donor or acceptor splice site typically lead to a loss of protein function (PMID: 16199547), and loss-of-function variants in SMAD3 are known to be pathogenic (PMID: 21778426, 24804794). This variant is not present in population databases (gnomAD no frequency). Disruption of this splice site has been observed in individuals with clinical features consistent with thoracic aortic aneurysm and dissection (PMID: 29907982; Invitae). Algorithms developed to predict the effect of sequence changes on RNA splicing suggest that this variant may disrupt the consensus splice site. For these reasons, this variant has been classified as Pathogenic.

Literature cited by the submitters: PubMed 16199547; PubMed 21778426; PubMed 24804794; PubMed 29907982.

NM_005902.4(SMAD3):c.1010-2A>G

Gene: SMAD3 (SMAD family member 3; plus strand). Cytogenetic location: 15q22.33.
Variant type: single nucleotide variant.
Coding change: c.1010-2A>G on transcript NM_005902.4 (MANE Select); the canonical splice acceptor site of the intron before coding-DNA position 1010, A replaced by G.
Molecular consequence: splice acceptor variant.
Genome position (GRCh38, 1-based): chr15:67,187,363, A>G. VCF-style: chr15-67187363-A-G. GRCh37 (hg19) VCF-style: chr15-67479701-A-G.
Other names: c.1121-2A>G (NM_001407011.1); c.872-2A>G (NM_001407013.1); c.878-2A>G (NM_001407012.1, NM_001145103.2); c.863-2A>G (NM_001407014.1); c.695-2A>G (NM_001145102.2, NM_001407016.1); c.563-2A>G (NM_001407015.1); c.425-2A>G (NM_001145104.2, NM_001407017.1).
Identifiers: ClinVar variation 2910379 (VCV002910379.3), dbSNP rs2505309923, ClinGen allele CA392958040.